The following is an entry in ClinVar:

NM_005228.5(EGFR):c.3348C>A (p.Asn1116Lys)

Gene: EGFR (epidermal growth factor receptor; plus strand). Cytogenetic location: 7p11.2.
Variant type: single nucleotide variant.
Coding change: c.3348C>A on transcript NM_005228.5 (MANE Select); coding-DNA position 3348, C replaced by A.
Protein change: p.Asn1116Lys; replaces asparagine 1116 with lysine.
Molecular consequence: missense variant.
Genome position (GRCh38, 1-based): chr7:55,205,332, C>A. VCF-style: chr7-55205332-C-A. GRCh37 (hg19) VCF-style: chr7-55273025-C-A.
Other names: c.3213C>A, p.Asn1071Lys (NM_001346899.2); c.3189C>A, p.Asn1063Lys (NM_001346900.2); c.2547C>A, p.Asn849Lys (NM_001346941.2); short protein forms N1063K, N1071K, N1116K, N849K.
Identifiers: ClinVar variation 1721476 (VCV001721476.5), dbSNP rs1186762640, ClinGen allele CA367584422.

ClinVar aggregate classification (germline): Uncertain significance (1 of 4 stars; one submission).

Conditions:
EGFR-related lung cancer (EGFR). Identifiers: MedGen CN130014.

Allele frequency attached by ClinVar (database versions not stated): gnomAD exomes below 0.00001.
gnomAD v4.1: 1 of 1,611,460 alleles (0.000062%); highest among the groups gnomAD compares: South Asian, 0.0011%; no homozygotes.

Submission:

Labcorp Genetics (formerly Invitae), Labcorp
Classification: Uncertain significance for EGFR-related lung cancer. Last evaluated: 2024-06-03. Review status: criteria provided, single submitter. Criteria: Invitae Variant Classification Sherloc (09022015). Collection method: clinical testing. Allele origin: germline.
Comment: This sequence change replaces asparagine, which is neutral and polar, with lysine, which is basic and polar, at codon 1116 of the EGFR protein (p.Asn1116Lys). The frequency data for this variant in the population databases is considered unreliable, as metrics indicate poor data quality at this position in the gnomAD database. This variant has not been reported in the literature in individuals affected with EGFR-related conditions. ClinVar contains an entry for this variant (Variation ID: 1721476). An algorithm developed to predict the effect of missense changes on protein structure and function (PolyPhen-2) suggests that this variant is likely to be tolerated. In summary, the available evidence is currently insufficient to determine the role of this variant in disease. Therefore, it has been classified as a Variant of Uncertain Significance.